The following is an entry in ClinVar:

NM_000441.2(SLC26A4):c.1040C>T (p.Ser347Leu)

Gene: SLC26A4 (solute carrier family 26 member 4; plus strand). Cytogenetic location: 7q22.3.
Variant type: single nucleotide variant.
Coding change: c.1040C>T on transcript NM_000441.2 (MANE Select); coding-DNA position 1040, C replaced by T.
Protein change: p.Ser347Leu; replaces serine 347 with leucine.
Molecular consequence: missense variant.
Genome position (GRCh38, 1-based): chr7:107,689,091, C>T. VCF-style: chr7-107689091-C-T. GRCh37 (hg19) VCF-style: chr7-107329536-C-T.
Other names: short protein forms S347L.
Identifiers: ClinVar variation 199023 (VCV000199023.29), dbSNP rs150946659, ClinGen allele CA247979.

ClinVar aggregate classification (germline): Conflicting classifications of pathogenicity. Review status: criteria provided, conflicting classifications (1 of 4 stars). 11 submissions from 9 submitters: Uncertain significance (9); Likely benign (1). 1 of the submissions does not count toward it. Last evaluated 2025-10-30.

Conditions:
Inborn genetic diseases. Identifiers: MedGen C0950123, MeSH D030342.
Autosomal recessive nonsyndromic hearing loss 4 (DFNB4). Also called: Nonsyndromic enlarged vestibular aqueduct (NSEVA); Enlarged vestibular aqueduct, digenic; FOXI1-Related Pendred Syndrome; KCNJ10-Related Pendred Syndrome; DEAFNESS, AUTOSOMAL RECESSIVE 4, WITH ENLARGED VESTIBULAR AQUEDUCT, DIGENIC; NEUROSENSORY NONSYNDROMIC RECESSIVE DEAFNESS 4. Identifiers: Orphanet 90636, MedGen C3538946, MONDO:0010933, OMIM 600791.
Pendred syndrome (PDS). Also called: Pendred Syndrome (PDS); Pendred's syndrome; THYROID DYSHORMONOGENESIS 2B; THYROID HORMONOGENESIS, GENETIC DEFECT IN, 2B; DEAFNESS WITH GOITER; GOITER-DEAFNESS SYNDROME. Identifiers: Orphanet 705, MedGen C0271829, MONDO:0010134, OMIM 274600.

Allele frequency attached by ClinVar (database versions not stated): gnomAD exomes 0.00006; ExAC 0.00007; TOPMed 0.00013; gnomAD 0.00015 and 0.00017; ESP Exome Variant Server 0.00023.
gnomAD v4.1: 191 of 1,613,810 alleles (0.012%); highest among the groups gnomAD compares: African/African-American, 0.021%; no homozygotes.

Submissions (11):

Labcorp Genetics (formerly Invitae), Labcorp
Classification: Likely benign. Last evaluated: 2025-10-30. Review status: criteria provided, single submitter. Criteria: Invitae Variant Classification Sherloc (09022015). Collection method: clinical testing. Allele origin: germline.

GeneDx
Classification: Uncertain significance. Last evaluated: 2025-05-21. Review status: criteria provided, single submitter. Criteria: GeneDx Variant Classification Process June 2021. Collection method: clinical testing. Allele origin: germline. Affected: yes.
Comment: In silico analysis supports that this missense variant has a deleterious effect on protein structure/function; Has not been previously published as pathogenic or benign to our knowledge

Ambry Genetics
Classification: Uncertain significance for Inborn genetic diseases. Last evaluated: 2025-03-28. Review status: criteria provided, single submitter. Criteria: Ambry Variant Classification Scheme 2023. Collection method: clinical testing. Allele origin: germline.

Blueprint Genetics
Classification: Uncertain significance. Last evaluated: 2023-10-19. Review status: criteria provided, single submitter. Criteria: ACMG Guidelines, 2015. Collection method: clinical testing. Allele origin: germline.

Genome-Nilou Lab
Classification: Uncertain significance for Autosomal recessive nonsyndromic hearing loss 4. Last evaluated: 2021-09-05. Review status: criteria provided, single submitter. Criteria: ACMG Guidelines, 2015. Collection method: clinical testing. Allele origin: germline. Affected: no.

Genome-Nilou Lab
Classification: Uncertain significance for Pendred syndrome. Last evaluated: 2021-09-05. Review status: criteria provided, single submitter. Criteria: ACMG Guidelines, 2015. Collection method: clinical testing. Allele origin: germline. Affected: no.

Illumina Laboratory Services, Illumina
Classification: Uncertain significance for Autosomal recessive nonsyndromic hearing loss 4. Last evaluated: 2018-01-13. Review status: criteria provided, single submitter. Criteria: ICSL Variant Classification Criteria 13 December 2019. Collection method: clinical testing. Allele origin: germline.

Illumina Laboratory Services, Illumina
Classification: Uncertain significance for Pendred syndrome. Last evaluated: 2018-01-13. Review status: criteria provided, single submitter. Criteria: ICSL Variant Classification Criteria 13 December 2019. Collection method: clinical testing. Allele origin: germline.

Laboratory for Molecular Medicine, Mass General Brigham Personalized Medicine
Classification: Uncertain significance. Last evaluated: 2016-09-22. Review status: criteria provided, single submitter. Criteria: LMM Criteria. Collection method: clinical testing. Allele origin: germline. Observed: 1 variant allele.
Comment: The p.Ser347Leu variant in SLC26A4 has not been previously reported in individua ls with hearing loss or Pendred syndrome. This variant has been identified in 2/ 10406 African chromosomes 6/66702 by the Exome Aggregation Consortium (ExAC; dbSNP rs150946659). Computational prediction tools and conservation analysis do not provide strong support for or against an impact to the protein. In summary, the clinical significance of the p.Ser347Leu varian t is uncertain.

Eurofins Ntd Llc (ga)
Classification: Uncertain significance. Last evaluated: 2014-12-19. Review status: criteria provided, single submitter. Criteria: EGL Classification Definitions 2015. Collection method: clinical testing. Allele origin: germline. Observed: 1 variant allele, 1 heterozygote.

Natera, Inc.
Classification: Uncertain significance for Pendred syndrome. Last evaluated: 2020-09-16. Review status: no assertion criteria provided. Collection method: clinical testing. Allele origin: germline. Not counted in ClinVar's aggregate classification.